The following is an entry in ClinVar:

ClinVar aggregate classification (germline): Uncertain significance (1 of 4 stars; one submission).

Conditions:
Emery-Dreifuss muscular dystrophy 4, autosomal dominant (EDMD4). Also called: EMERY-DREIFUSS MUSCULAR DYSTROPHY 4 WITH VARIABLE FEATURES. Identifiers: Orphanet 261, MedGen C2751807, MONDO:0013071, OMIM 612998.
Autosomal recessive ataxia, Beauce type. Also called: SYNE1 Deficiency; Spinocerebellar ataxia, autosomal recessive 8; ATAXIA, RECESSIVE, OF BEAUCE; SYNE1-Related Autosomal Recessive Cerebellar Ataxia. Identifiers: Orphanet 88644, MedGen C1853116, MONDO:0012549, OMIM 610743.

Allele frequency attached by ClinVar (database versions not stated): gnomAD 0.00001; ExAC 0.00003; gnomAD exomes 0.00003.
gnomAD v4.1: 16 of 1,614,068 alleles (0.00099%); highest among the groups gnomAD compares: South Asian, 0.018%; no homozygotes.

Submission:

Labcorp Genetics (formerly Invitae), Labcorp
Classification: Uncertain significance for Emery-Dreifuss muscular dystrophy 4, autosomal dominant; Autosomal recessive ataxia, Beauce type. Last evaluated: 2025-02-06. Review status: criteria provided, single submitter. Criteria: Invitae Variant Classification Sherloc (09022015). Collection method: clinical testing. Allele origin: germline.
Comment: This sequence change replaces threonine, which is neutral and polar, with arginine, which is basic and polar, at codon 3434 of the SYNE1 protein (p.Thr3434Arg). This variant is present in population databases (rs758991223, gnomAD 0.02%). This variant has not been reported in the literature in individuals affected with SYNE1-related conditions. ClinVar contains an entry for this variant (Variation ID: 2059052). An algorithm developed to predict the effect of missense changes on protein structure and function (PolyPhen-2) suggests that this variant is likely to be tolerated. In summary, the available evidence is currently insufficient to determine the role of this variant in disease. Therefore, it has been classified as a Variant of Uncertain Significance.

NM_182961.4(SYNE1):c.10280C>G (p.Thr3427Arg)

Gene: SYNE1 (spectrin repeat containing nuclear envelope protein 1; minus strand). Cytogenetic location: 6q25.2.
Variant type: single nucleotide variant.
Coding change: c.10280C>G on transcript NM_182961.4 (MANE Select); coding-DNA position 10280, C replaced by G.
Protein change: p.Thr3427Arg; replaces threonine 3427 with arginine.
Molecular consequence: missense variant.
Genome position (GRCh38, 1-based): chr6:152,362,189, G>C on the plus strand (C>G on the coding strand, the complement: SYNE1 is on the minus strand). VCF-style: chr6-152362189-G-C. GRCh37 (hg19) VCF-style: chr6-152683324-G-C.
Other names: c.10301C>G, p.Thr3434Arg (NM_033071.5); short protein forms T3427R, T3434R.
Identifiers: ClinVar variation 2059052 (VCV002059052.4), dbSNP rs758991223, ClinGen allele CA4057014.